The following is an entry in ClinVar:

NM_001470.4(GABBR1):c.2048C>T (p.Thr683Ile)

Gene: GABBR1 (gamma-aminobutyric acid type B receptor subunit 1; minus strand). Cytogenetic location: 6p22.1.
Variant type: single nucleotide variant.
Coding change: c.2048C>T on transcript NM_001470.4 (MANE Select); coding-DNA position 2048, C replaced by T.
Protein change: p.Thr683Ile; replaces threonine 683 with isoleucine.
Molecular consequence: missense variant.
Genome position (GRCh38, 1-based): chr6:29,607,163, G>A on the plus strand (C>T on the coding strand, the complement: GABBR1 is on the minus strand). VCF-style: chr6-29607163-G-A. GRCh37 (hg19) VCF-style: chr6-29574940-G-A.
Other names: c.1517C>T, p.Thr506Ile (NM_001319053.2); c.1697C>T, p.Thr566Ile (NM_021903.3); c.1862C>T, p.Thr621Ile (NM_021904.4); short protein forms T506I, T566I, T621I, T683I.
Identifiers: ClinVar variation 4884985 (VCV004884985.2).

ClinVar aggregate classification (germline): Uncertain significance (1 of 4 stars; one submission).

Submission:

Dasa
Classification: Uncertain significance. Last evaluated: 2025-04-16. Review status: criteria provided, single submitter. Criteria: DASA Assertion Criteria. Collection method: clinical testing. Allele origin: germline.
Comment: NM_001470.4(GABBR1):c.2048C>T (p.Thr683Ile) is a missense variant that results in the substitution of threonine with isoleucine. This variant is absent from population databases. Computational prediction algorithms are consistent with a deleterious effect. The currently available literature and clinical evidence are not sufficient to establish a definitive association between this variant and the reported condition. Therefore, this variant is classified as a variant of uncertain significance.